The following is an entry in ClinVar:

NM_183357.3(ADCY5):c.1400A>G (p.Asn467Ser)

Gene: ADCY5 (adenylate cyclase 5; minus strand). Cytogenetic location: 3q21.1.
Variant type: single nucleotide variant.
Coding change: c.1400A>G on transcript NM_183357.3 (MANE Select); coding-DNA position 1400, A replaced by G.
Protein change: p.Asn467Ser; replaces asparagine 467 with serine.
Molecular consequence: missense variant.
Genome position (GRCh38, 1-based): chr3:123,347,788, T>C on the plus strand (A>G on the coding strand, the complement: ADCY5 is on the minus strand). VCF-style: chr3-123347788-T-C. GRCh37 (hg19) VCF-style: chr3-123066635-T-C.
Other names: c.350A>G, p.Asn117Ser (NM_001199642.1); c.1400A>G, p.Asn467Ser (NM_001378259.1); short protein forms N467S, N117S.
Identifiers: ClinVar variation 2734556 (VCV002734556.3), dbSNP rs2472961266, ClinGen allele CA354221626.

ClinVar aggregate classification (germline): Uncertain significance (1 of 4 stars; one submission).

Allele frequency attached by ClinVar (database versions not stated): gnomAD exomes below 0.00001.
gnomAD v4.1: 6 of 1,614,068 alleles (0.00037%); highest among the groups gnomAD compares: Admixed American, 0.0017%; no homozygotes.

Submission:

Labcorp Genetics (formerly Invitae), Labcorp
Classification: Uncertain significance. Last evaluated: 2023-12-06. Review status: criteria provided, single submitter. Criteria: Invitae Variant Classification Sherloc (09022015). Collection method: clinical testing. Allele origin: germline.
Comment: This sequence change replaces asparagine, which is neutral and polar, with serine, which is neutral and polar, at codon 467 of the ADCY5 protein (p.Asn467Ser). This variant is not present in population databases (gnomAD no frequency). This missense change has been observed in individual(s) with dystonia (PMID: 27666935). Advanced modeling of protein sequence and biophysical properties (such as structural, functional, and spatial information, amino acid conservation, physicochemical variation, residue mobility, and thermodynamic stability) has been performed at Invitae for this missense variant, however the output from this modeling did not meet the statistical confidence thresholds required to predict the impact of this variant on ADCY5 protein function. In summary, the available evidence is currently insufficient to determine the role of this variant in disease. Therefore, it has been classified as a Variant of Uncertain Significance.

Literature cited by the submitters: PubMed 27666935.